The following is an entry in ClinVar:

ClinVar aggregate classification (germline): Uncertain significance (1 of 4 stars; one submission).

Conditions:
Autosomal recessive severe congenital neutropenia due to G6PC3 deficiency. Also called: NEUTROPENIA, SEVERE CONGENITAL, 4, AUTOSOMAL RECESSIVE; G6PC3 Deficiency. Identifiers: Orphanet 331176, MedGen C2751630, MONDO:0012930, OMIM 612541.

Submission:

Labcorp Genetics (formerly Invitae), Labcorp
Classification: Uncertain significance for Autosomal recessive severe congenital neutropenia due to G6PC3 deficiency. Last evaluated: 2023-04-22. Review status: criteria provided, single submitter. Criteria: Invitae Variant Classification Sherloc (09022015). Collection method: clinical testing. Allele origin: germline.
Comment: In summary, the available evidence is currently insufficient to determine the role of this variant in disease. Therefore, it has been classified as a Variant of Uncertain Significance. Variants that disrupt the consensus splice site are a relatively common cause of aberrant splicing (PMID: 17576681, 9536098). Algorithms developed to predict the effect of sequence changes on RNA splicing suggest that this variant may disrupt the consensus splice site. Experimental studies have shown that this missense change affects G6PC3 function (PMID: 25492228). An algorithm developed to predict the effect of missense changes on protein structure and function (PolyPhen-2) suggests that this variant is likely to be disruptive. This missense change has been observed in individual(s) with severe congenital neutropenia (SCN) (PMID: 22050868, 23454784). This variant is not present in population databases (gnomAD no frequency). This sequence change replaces serine, which is neutral and polar, with isoleucine, which is neutral and non-polar, at codon 139 of the G6PC3 protein (p.Ser139Ile). This variant also falls at the last nucleotide of exon 3, which is part of the consensus splice site for this exon.

Literature cited by the submitters: PubMed 17576681; PubMed 9536098; PubMed 25492228; PubMed 22050868; PubMed 23454784.

NM_138387.4(G6PC3):c.416G>T (p.Ser139Ile)

Gene: G6PC3 (glucose-6-phosphatase catalytic subunit 3; plus strand). Cytogenetic location: 17q21.31.
Variant type: single nucleotide variant.
Coding change: c.416G>T on transcript NM_138387.4 (MANE Select); coding-DNA position 416, G replaced by T.
Protein change: p.Ser139Ile; replaces serine 139 with isoleucine.
Molecular consequence: missense variant.
Genome position (GRCh38, 1-based): chr17:44,074,770, G>T. VCF-style: chr17-44074770-G-T. GRCh37 (hg19) VCF-style: chr17-42152138-G-T.
Other names: c.416G>T, p.Arg139Met (NM_001319945.2); c.71G>T, p.Ser24Ile (NM_001384165.1, NM_001384166.1, NM_001384167.1 and 1 more transcripts); short protein forms R139M, S24I, S139I.
Identifiers: ClinVar variation 2736601 (VCV002736601.3), dbSNP rs2050047822, ClinGen allele CA399726546.